The following is an entry in ClinVar:

NM_021096.4(CACNA1I):c.3070G>T (p.Glu1024Ter)

Gene: CACNA1I (calcium voltage-gated channel subunit alpha1 I; plus strand). Cytogenetic location: 22q13.1.
Variant type: single nucleotide variant.
Coding change: c.3070G>T on transcript NM_021096.4 (MANE Select); coding-DNA position 3070, G replaced by T.
Protein change: p.Glu1024Ter; replaces glutamic acid 1024 with a stop codon.
Molecular consequence: nonsense.
Genome position (GRCh38, 1-based): chr22:39,662,133, G>T. VCF-style: chr22-39662133-G-T. GRCh37 (hg19) VCF-style: chr22-40058138-G-T.
Other names: c.2965G>T, p.Glu989Ter (NM_001003406.2); short protein forms E1024*, E989*.
Identifiers: ClinVar variation 3339103 (VCV003339103.1).

ClinVar aggregate classification (germline): Uncertain significance (1 of 4 stars; one submission).

Submission:

Women's Health and Genetics/Laboratory Corporation of America, LabCorp
Classification: Uncertain significance. Last evaluated: 2024-07-05. Review status: criteria provided, single submitter. Criteria: LabCorp Variant Classification Summary - May 2015. Collection method: clinical testing. Allele origin: germline.
Comment: Variant summary: CACNA1I c.3070G>T (p.Glu1024X) results in a premature termination codon, predicted to cause a truncation of the encoded protein or absence of the protein due to nonsense mediated decay, however the molecular mechanism of disease attributed to CACNA1I is gain-of-function. The variant was absent in 118146 control chromosomes. The available data on variant occurrences in the general population are insufficient to allow any conclusion about variant significance. To our knowledge, no occurrence of c.3070G>T in individuals affected with Neurodevelopmental Disorder With Speech Impairment And With Or Without Seizures and no experimental evidence demonstrating its impact on protein function have been reported. No submitters have cited clinical-significance assessments for this variant to ClinVar. Based on the evidence outlined above, the variant was classified as uncertain significance.